The following is an entry in ClinVar:

ClinVar aggregate classification (germline): Uncertain significance (1 of 4 stars; one submission).

Conditions:
Autosomal recessive polycystic kidney disease (ARPKD). Also called: AR polycystic kidney disease. Identifiers: Orphanet 731, Orphanet 8378, MedGen C0085548, MeSH D017044, MONDO:0009889.

Submission:

Labcorp Genetics (formerly Invitae), Labcorp
Classification: Uncertain significance for Autosomal recessive polycystic kidney disease. Last evaluated: 2022-07-12. Review status: criteria provided, single submitter. Criteria: Invitae Variant Classification Sherloc (09022015). Collection method: clinical testing. Allele origin: germline.
Comment: In summary, the available evidence is currently insufficient to determine the role of this variant in disease. Therefore, it has been classified as a Variant of Uncertain Significance. Algorithms developed to predict the effect of sequence changes on RNA splicing suggest that this variant may create or strengthen a splice site. Advanced modeling of protein sequence and biophysical properties (such as structural, functional, and spatial information, amino acid conservation, physicochemical variation, residue mobility, and thermodynamic stability) performed at Invitae indicates that this missense variant is not expected to disrupt PKHD1 protein function. This sequence change replaces threonine, which is neutral and polar, with arginine, which is basic and polar, at codon 799 of the PKHD1 protein (p.Thr799Arg). This variant is not present in population databases (gnomAD no frequency). This variant has not been reported in the literature in individuals affected with PKHD1-related conditions. ClinVar contains an entry for this variant (Variation ID: 1386486).

NM_138694.4(PKHD1):c.2396C>G (p.Thr799Arg)

Gene: PKHD1 (PKHD1 ciliary IPT domain containing fibrocystin/polyductin; minus strand). Cytogenetic location: 6p12.2.
Variant type: single nucleotide variant.
Coding change: c.2396C>G on transcript NM_138694.4 (MANE Select); coding-DNA position 2396, C replaced by G.
Protein change: p.Thr799Arg; replaces threonine 799 with arginine.
Molecular consequence: missense variant.
Genome position (GRCh38, 1-based): chr6:52,048,503, G>C on the plus strand (C>G on the coding strand, the complement: PKHD1 is on the minus strand). VCF-style: chr6-52048503-G-C. GRCh37 (hg19) VCF-style: chr6-51913301-G-C.
Other names: c.2396C>G, p.Thr799Arg (NM_170724.3); short protein forms T799R.
Identifiers: ClinVar variation 1386486 (VCV001386486.8), dbSNP rs1465053705, ClinGen allele CA364443455.
Genomic context (GRCh38, chr6:52,048,503, plus strand): 5'-AGTGAGAATATGTGAGTGAGAATTGTTGCAACCCCAATCACCCCTTTACCAGAAATCACT[G>C]TATTAGGAAGCTGGATGCGAAAGTGTCCTCCTAGAGGTGGACTTGTCCGCTGTCGTCTCT-3'
Protein context (NP_619639.3, residues 789-809): GGHFRIQLPN[Thr799Arg]VISDVPVQIS